The following is an entry in ClinVar:

ClinVar aggregate classification (germline): Uncertain significance. Review status: criteria provided, multiple submitters, no conflicts (2 of 4 stars). 2 submissions from 2 submitters: Uncertain significance (2). Last evaluated 2024-03-08.

Conditions:
Inborn genetic diseases. Identifiers: MedGen C0950123, MeSH D030342.

Allele frequency attached by ClinVar (database versions not stated): gnomAD exomes below 0.00001 and 0.00001; TOPMed below 0.00001; ExAC 0.00001; gnomAD 0.00001.

Submissions (2):

Ambry Genetics
Classification: Uncertain significance for Inborn genetic diseases. Last evaluated: 2024-03-08. Review status: criteria provided, single submitter. Criteria: Ambry Variant Classification Scheme 2023. Collection method: clinical testing. Allele origin: germline.

Labcorp Genetics (formerly Invitae), Labcorp
Classification: Uncertain significance. Last evaluated: 2022-11-22. Review status: criteria provided, single submitter. Criteria: Invitae Variant Classification Sherloc (09022015). Collection method: clinical testing. Allele origin: germline.
Comment: Experimental studies and prediction algorithms are not available or were not evaluated, and the functional significance of this variant is currently unknown. In summary, the available evidence is currently insufficient to determine the role of this variant in disease. Therefore, it has been classified as a Variant of Uncertain Significance. ClinVar contains an entry for this variant (Variation ID: 1481535). This variant has not been reported in the literature in individuals affected with REEP6-related conditions. This variant is present in population databases (rs765008067, gnomAD 0.0009%). This sequence change replaces serine, which is neutral and polar, with asparagine, which is neutral and polar, at codon 159 of the REEP6 protein (p.Ser159Asn).

NM_138393.4(REEP6):c.476G>A (p.Ser159Asn)

Gene: REEP6 (receptor accessory protein 6; plus strand). Cytogenetic location: 19p13.3.
Variant type: single nucleotide variant.
Coding change: c.476G>A on transcript NM_138393.4 (MANE Select); coding-DNA position 476, G replaced by A.
Protein change: p.Ser159Asn; replaces serine 159 with asparagine.
Molecular consequence: missense variant.
Genome position (GRCh38, 1-based): chr19:1,496,412, G>A. VCF-style: chr19-1496412-G-A. GRCh37 (hg19) VCF-style: chr19-1496411-G-A.
Other names: c.476G>A, p.Ser159Asn (NM_001329556.3); c.476G>A (NM_138393.1); short protein forms S159N.
Identifiers: ClinVar variation 1481535 (VCV001481535.7), dbSNP rs765008067, ClinGen allele CA9047586.